The following is an entry in ClinVar:

ClinVar aggregate classification (germline): Pathogenic (1 of 4 stars; one submission).

Conditions:
Mendelian susceptibility to mycobacterial diseases due to complete IL12RB1 deficiency. Also called: Immunodeficiency 30; IL12RB1 DEFICIENCY. Identifiers: Orphanet 319552, MedGen C4013949, MONDO:0013955, OMIM 614891.

Allele frequency attached by ClinVar (database versions not stated): gnomAD exomes below 0.00001.

Submission:

Labcorp Genetics (formerly Invitae), Labcorp
Classification: Pathogenic for Mendelian susceptibility to mycobacterial diseases due to complete IL12RB1 deficiency. Last evaluated: 2023-12-11. Review status: criteria provided, single submitter. Criteria: Invitae Variant Classification Sherloc (09022015). Collection method: clinical testing. Allele origin: germline.
Comment: This sequence change creates a premature translational stop signal (p.Val564Glyfs*28) in the IL12RB1 gene. It is expected to result in an absent or disrupted protein product. Loss-of-function variants in IL12RB1 are known to be pathogenic (PMID: 9603733, 12591909). This variant is present in population databases (no rsID available, gnomAD 0.0009%). This variant has not been reported in the literature in individuals affected with IL12RB1-related conditions. ClinVar contains an entry for this variant (Variation ID: 2015497). Algorithms developed to predict the effect of sequence changes on RNA splicing suggest that this variant may disrupt the consensus splice site. For these reasons, this variant has been classified as Pathogenic.

Literature cited by the submitters: PubMed 9603733; PubMed 12591909.

NM_005535.3(IL12RB1):c.1690dup (p.Val564fs)

Gene: IL12RB1 (interleukin 12 receptor subunit beta 1; minus strand). Cytogenetic location: 19p13.11.
Variant type: Duplication.
Coding change: c.1690dup on transcript NM_005535.3 (MANE Select); coding-DNA position 1690, one base duplicated (G; older notation c.1690dupG).
Protein change: p.Val564fs; shifts the reading frame from valine 564.
Molecular consequence: frameshift variant.
Genome position (GRCh38, 1-based): chr19:18,062,206, C duplicated on the plus strand (G on the coding strand, the reverse complement: IL12RB1 is on the minus strand). VCF-style (leftmost placement, unchanged base first): chr19-18062205-A-AC. GRCh37 (hg19) VCF-style: chr19-18173015-A-AC.
Other names: c.1690dup, p.Val564fs (NM_001290023.2); c.1810dup, p.Val604Glyfs (NM_001290024.2); short protein forms V564fs, V604fs.
Identifiers: ClinVar variation 2015497 (VCV002015497.4), dbSNP rs1259129289, ClinGen allele CA632092772.